The following is an entry in ClinVar:

NM_007348.4(ATF6):c.1533+5G>A

Gene: ATF6 (activating transcription factor 6; plus strand). Cytogenetic location: 1q23.3.
Variant type: single nucleotide variant.
Coding change: c.1533+5G>A on transcript NM_007348.4 (MANE Select); 5 bases into the intron after coding-DNA position 1533, G replaced by A.
Molecular consequence: intron variant.
Genome position (GRCh38, 1-based): chr1:161,853,328, G>A. VCF-style: chr1-161853328-G-A. GRCh37 (hg19) VCF-style: chr1-161823118-G-A.
Identifiers: ClinVar variation 960364 (VCV000960364.6), dbSNP rs1686681889, ClinGen allele CA1139656400.

ClinVar aggregate classification (germline): Uncertain significance (1 of 4 stars; one submission).

Submission:

Labcorp Genetics (formerly Invitae), Labcorp
Classification: Uncertain significance. Last evaluated: 2022-03-10. Review status: criteria provided, single submitter. Criteria: Invitae Variant Classification Sherloc (09022015). Collection method: clinical testing. Allele origin: germline.
Comment: In summary, the available evidence is currently insufficient to determine the role of this variant in disease. Therefore, it has been classified as a Variant of Uncertain Significance. Variants that disrupt the consensus splice site are a relatively common cause of aberrant splicing (PMID: 17576681, 9536098). Algorithms developed to predict the effect of sequence changes on RNA splicing suggest that this variant is not likely to affect RNA splicing. ClinVar contains an entry for this variant (Variation ID: 960364). This variant has not been reported in the literature in individuals affected with ATF6-related conditions. This variant is not present in population databases (gnomAD no frequency). This sequence change falls in intron 12 of the ATF6 gene. It does not directly change the encoded amino acid sequence of the ATF6 protein. It affects a nucleotide within the consensus splice site.

Literature cited by the submitters: PubMed 17576681; PubMed 9536098.